The following is an entry in ClinVar:

NM_001025295.3(IFITM5):c.283G>C (p.Val95Leu)

Gene: IFITM5 (interferon induced transmembrane protein 5; minus strand). Cytogenetic location: 11p15.5.
Variant type: single nucleotide variant.
Coding change: c.283G>C on transcript NM_001025295.3 (MANE Select); coding-DNA position 283, G replaced by C.
Protein change: p.Val95Leu; replaces valine 95 with leucine.
Molecular consequence: missense variant.
Genome position (GRCh38, 1-based): chr11:298,617, C>G on the plus strand (G>C on the coding strand, the complement: IFITM5 is on the minus strand). VCF-style: chr11-298617-C-G. GRCh37 (hg19) VCF-style: chr11-298617-C-G.
Other names: short protein forms V95L.
Identifiers: ClinVar variation 2194348 (VCV002194348.4), dbSNP rs750428287, ClinGen allele CA5773396.

ClinVar aggregate classification (germline): Uncertain significance (1 of 4 stars; one submission).

Allele frequency attached by ClinVar (database versions not stated): ExAC 0.00001; gnomAD exomes 0.00001.
gnomAD v4.1: 5 of 1,613,548 alleles (0.00031%); highest among the groups gnomAD compares: Admixed American, 0.0083%; no homozygotes.

Submission:

Labcorp Genetics (formerly Invitae), Labcorp
Classification: Uncertain significance. Last evaluated: 2024-11-05. Review status: criteria provided, single submitter. Criteria: Invitae Variant Classification Sherloc (09022015). Collection method: clinical testing. Allele origin: germline.
Comment: This sequence change replaces valine, which is neutral and non-polar, with leucine, which is neutral and non-polar, at codon 95 of the IFITM5 protein (p.Val95Leu). This variant is present in population databases (rs750428287, gnomAD 0.01%). This variant has not been reported in the literature in individuals affected with IFITM5-related conditions. ClinVar contains an entry for this variant (Variation ID: 2194348). An algorithm developed to predict the effect of missense changes on protein structure and function outputs the following: PolyPhen-2: "Benign". The leucine amino acid residue is found in multiple mammalian species, which suggests that this missense change does not adversely affect protein function. In summary, the available evidence is currently insufficient to determine the role of this variant in disease. Therefore, it has been classified as a Variant of Uncertain Significance.